The following is an entry in ClinVar:

NM_001367721.1(CASK):c.1535A>G (p.His512Arg)

Gene: CASK (calcium/calmodulin dependent serine protein kinase; minus strand). Cytogenetic location: Xp11.4.
Variant type: single nucleotide variant.
Coding change: c.1535A>G on transcript NM_001367721.1 (MANE Select); coding-DNA position 1535, A replaced by G.
Protein change: p.His512Arg; replaces histidine 512 with arginine.
Molecular consequence: missense variant.
Genome position (GRCh38, 1-based): chrX:41,569,715, T>C on the plus strand (A>G on the coding strand, the complement: CASK is on the minus strand). VCF-style: chrX-41569715-T-C. GRCh37 (hg19) VCF-style: chrX-41428968-T-C.
Other names: c.1535A>G, p.His512Arg (NM_001126054.3, NM_003688.4); c.1517A>G, p.His506Arg (NM_001126055.3, NM_001410745.1); c.1535A>G (NM_003688.3); short protein forms H506R, H512R.
Identifiers: ClinVar variation 3019930 (VCV003019930.4), dbSNP rs1238680611, ClinGen allele CA412995728.

ClinVar aggregate classification (germline): Uncertain significance. Review status: criteria provided, multiple submitters, no conflicts (2 of 4 stars). 2 submissions from 2 submitters: Uncertain significance (2). Last evaluated 2024-09-23.

Conditions:
Intellectual disability, CASK-related, X-linked. Identifiers: MedGen CN043158.

Allele frequency attached by ClinVar (database versions not stated): gnomAD exomes below 0.00001; TOPMed 0.00002.
gnomAD v4.1: 1 of 1,167,836 alleles (0.000086%); highest among the groups gnomAD compares: Non-Finnish European, 0.00012%; no homozygotes.

Submissions (2):

Labcorp Genetics (formerly Invitae), Labcorp
Classification: Uncertain significance for Intellectual disability, CASK-related, X-linked. Last evaluated: 2024-09-23. Review status: criteria provided, single submitter. Criteria: Invitae Variant Classification Sherloc (09022015). Collection method: clinical testing. Allele origin: germline.
Comment: This sequence change replaces histidine, which is basic and polar, with arginine, which is basic and polar, at codon 512 of the CASK protein (p.His512Arg). This variant is not present in population databases (gnomAD no frequency). This variant has not been reported in the literature in individuals affected with CASK-related conditions. Invitae Evidence Modeling of protein sequence and biophysical properties (such as structural, functional, and spatial information, amino acid conservation, physicochemical variation, residue mobility, and thermodynamic stability) has been performed for this missense variant. However, the output from this modeling did not meet the statistical confidence thresholds required to predict the impact of this variant on CASK protein function. In summary, the available evidence is currently insufficient to determine the role of this variant in disease. Therefore, it has been classified as a Variant of Uncertain Significance.

GeneDx
Classification: Uncertain significance. Last evaluated: 2023-12-28. Review status: criteria provided, single submitter. Criteria: GeneDx Variant Classification Process June 2021. Collection method: clinical testing. Allele origin: germline. Affected: yes.
Comment: Not observed at significant frequency in large population cohorts (gnomAD); In silico analysis supports that this missense variant does not alter protein structure/function; Has not been previously published as pathogenic or benign to our knowledge